The following is an entry in ClinVar:

ClinVar aggregate classification (germline): Uncertain significance (1 of 4 stars; one submission).

Conditions:
Brugada syndrome. Also called: Sudden unexplained nocturnal death syndrome; Sudden unexpected nocturnal death syndrome; Sudden Unexplained Death Syndrome; Sudden Unexplained Nocturnal Death Syndrome (SUNDS). Identifiers: Orphanet 130, MedGen C1142166, MONDO:0015263.

Submission:

Labcorp Genetics (formerly Invitae), Labcorp
Classification: Uncertain significance for Brugada syndrome. Last evaluated: 2025-08-09. Review status: criteria provided, single submitter. Criteria: Invitae Variant Classification Sherloc (09022015). Collection method: clinical testing. Allele origin: germline.
Comment: This sequence change replaces proline, which is neutral and non-polar, with serine, which is neutral and polar, at codon 1794 of the SCN10A protein (p.Pro1794Ser). This variant is not present in population databases (gnomAD no frequency). This variant has not been reported in the literature in individuals affected with SCN10A-related conditions. Invitae Evidence Modeling of protein sequence and biophysical properties (such as structural, functional, and spatial information, amino acid conservation, physicochemical variation, residue mobility, and thermodynamic stability) indicates that this missense variant is not expected to disrupt SCN10A protein function with a negative predictive value of 95%. In summary, the available evidence is currently insufficient to determine the role of this variant in disease. Therefore, it has been classified as a Variant of Uncertain Significance.

NM_006514.4(SCN10A):c.5380C>T (p.Pro1794Ser)

Gene: SCN10A (sodium voltage-gated channel alpha subunit 10; minus strand). Cytogenetic location: 3p22.2.
Variant type: single nucleotide variant.
Coding change: c.5380C>T on transcript NM_006514.4 (MANE Select); coding-DNA position 5380, C replaced by T.
Protein change: p.Pro1794Ser; replaces proline 1794 with serine.
Molecular consequence: missense variant.
Genome position (GRCh38, 1-based): chr3:38,697,840, G>A on the plus strand (C>T on the coding strand, the complement: SCN10A is on the minus strand). VCF-style: chr3-38697840-G-A. GRCh37 (hg19) VCF-style: chr3-38739331-G-A.
Other names: c.5377C>T, p.Pro1793Ser (NM_001293306.2); c.5086C>T, p.Pro1696Ser (NM_001293307.2); short protein forms P1794S, P1696S, P1793S.
Identifiers: ClinVar variation 4692904 (VCV004692904.1).